The following is an entry in ClinVar:

ClinVar aggregate classification (germline): Benign/Likely benign. Review status: criteria provided, multiple submitters, no conflicts (2 of 4 stars). 5 submissions from 5 submitters: Benign (2); Likely benign (3). Last evaluated 2026-01-19.

Conditions:
Seizures, benign familial infantile, 3 (BFIS3). Also called: Familial neonatal seizures; CONVULSIONS, BENIGN FAMILIAL INFANTILE, 3. Identifiers: Orphanet 140927, Orphanet 306, MedGen C1843140, MONDO:0011904, OMIM 607745.
Developmental and epileptic encephalopathy, 11 (DEE11). Also called: Early infantile epileptic encephalopathy 11. Identifiers: Orphanet 1934, MedGen C3150987, MONDO:0013388, OMIM 613721.

Allele frequency attached by ClinVar (database versions not stated): gnomAD 0.00002 and 0.00006; TOPMed 0.00005; gnomAD exomes 0.00007 and 0.00014; ESP Exome Variant Server 0.00008; ExAC 0.00011; 1000 Genomes Project 30x 0.00016; 1000 Genomes Project 0.00020.
gnomAD v4.1: 121 of 1,613,992 alleles (0.0075%); highest among the groups gnomAD compares: South Asian, 0.12%; no homozygotes.

Submissions (5):

Labcorp Genetics (formerly Invitae), Labcorp
Classification: Benign for Seizures, benign familial infantile, 3; Developmental and epileptic encephalopathy, 11. Last evaluated: 2026-01-19. Review status: criteria provided, single submitter. Criteria: Invitae Variant Classification Sherloc (09022015). Collection method: clinical testing. Allele origin: germline.

CeGaT Center for Human Genetics Tuebingen
Classification: Likely benign. Last evaluated: 2024-11-01. Review status: criteria provided, single submitter. Criteria: CeGaT Center For Human Genetics Tuebingen Variant Classification Criteria Version 2. Collection method: clinical testing. Allele origin: germline. Affected: yes. Observed: 1 variant allele.
Comment: SCN2A: BP4, BP7, BS1

GeneDx
Classification: Likely benign. Last evaluated: 2021-06-15. Review status: criteria provided, single submitter. Criteria: GeneDx Variant Classification Process June 2021. Collection method: clinical testing. Allele origin: germline. Affected: yes.

Athena Diagnostics
Classification: Benign. Last evaluated: 2018-09-18. Review status: criteria provided, single submitter. Criteria: Athena Diagnostics Criteria. Collection method: clinical testing. Allele origin: germline.

Genetic Services Laboratory, University of Chicago
Classification: Likely benign. Last evaluated: 2016-03-23. Review status: criteria provided, single submitter. Criteria: ACMG Guidelines, 2015. Collection method: clinical testing. Allele origin: germline. Affected: no.

NM_001040142.2(SCN2A):c.2083T>C (p.Leu695=)

Gene: SCN2A (sodium voltage-gated channel alpha subunit 2; plus strand). Cytogenetic location: 2q24.3.
Variant type: single nucleotide variant.
Coding change: c.2083T>C on transcript NM_001040142.2 (MANE Select); coding-DNA position 2083, T replaced by C.
Protein change: p.Leu695=; no amino-acid change (leucine 695 retained).
Molecular consequence: synonymous variant.
Genome position (GRCh38, 1-based): chr2:165,326,918, T>C. VCF-style: chr2-165326918-T-C. GRCh37 (hg19) VCF-style: chr2-166183428-T-C.
Other names: c.2083T>C, p.Leu695= (NM_001040143.2, NM_001371246.1, NM_001371247.1 and 1 more transcripts).
Identifiers: ClinVar variation 378931 (VCV000378931.32), dbSNP rs368043574, ClinGen allele CA1939928.